The following is an entry in ClinVar:

NM_016239.4(MYO15A):c.4039-2A>G

Gene: MYO15A (myosin XVA; plus strand). Cytogenetic location: 17p11.2.
Variant type: single nucleotide variant.
Coding change: c.4039-2A>G on transcript NM_016239.4 (MANE Select); the canonical splice acceptor site of the intron before coding-DNA position 4039, A replaced by G.
Molecular consequence: splice acceptor variant.
Genome position (GRCh38, 1-based): chr17:18,131,237, A>G. VCF-style: chr17-18131237-A-G. GRCh37 (hg19) VCF-style: chr17-18034551-A-G.
Identifiers: ClinVar variation 2751701 (VCV002751701.3), dbSNP rs200260574, ClinGen allele CA8423756.
Genomic context (GRCh38, chr17:18,131,237, plus strand): 5'-CCACCCAGGCCCCCAGAACAGTGCCTAGCCCCTCAATTCCCACATCTCCTTCTGGAGTCC[A>G]GATCCTGGAGGCAACACCCCTCTTGGAGTCCTTCGGTAATGCCAAAACCGTCAGGAACGA-3'

ClinVar aggregate classification (germline): Likely pathogenic (1 of 4 stars; one submission).

Allele frequency attached by ClinVar (database versions not stated): gnomAD exomes below 0.00001; ExAC 0.00002; ESP Exome Variant Server 0.00008.
gnomAD v4.1: 2 of 1,613,390 alleles (0.00012%); no homozygotes.

Submission:

Labcorp Genetics (formerly Invitae), Labcorp
Classification: Likely pathogenic. Last evaluated: 2023-08-10. Review status: criteria provided, single submitter. Criteria: Invitae Variant Classification Sherloc (09022015). Collection method: clinical testing. Allele origin: germline.
Comment: In summary, the currently available evidence indicates that the variant is pathogenic, but additional data are needed to prove that conclusively. Therefore, this variant has been classified as Likely Pathogenic. This sequence change affects an acceptor splice site in intron 8 of the MYO15A gene. It is expected to disrupt RNA splicing. Variants that disrupt the donor or acceptor splice site typically lead to a loss of protein function (PMID: 16199547), and loss-of-function variants in MYO15A are known to be pathogenic (PMID: 17546645). This variant is present in population databases (rs200260574, gnomAD 0.009%). Disruption of this splice site has been observed in individual(s) with deafness (PMID: 33597575). Algorithms developed to predict the effect of sequence changes on RNA splicing suggest that this variant may disrupt the consensus splice site.

Literature cited by the submitters: PubMed 16199547; PubMed 17546645; PubMed 33597575.